The following is an entry in ClinVar:

ClinVar aggregate classification (germline): Uncertain significance. Review status: criteria provided, multiple submitters, no conflicts (2 of 4 stars). 2 submissions from 2 submitters: Uncertain significance (2). Last evaluated 2025-05-05.

Conditions:
Inborn genetic diseases. Identifiers: MedGen C0950123, MeSH D030342.

Allele frequency attached by ClinVar (database versions not stated): ExAC 0.00001; gnomAD 0.00002; TOPMed 0.00002; gnomAD exomes 0.00004.
gnomAD v4.1: 59 of 1,614,026 alleles (0.0037%); highest among the groups gnomAD compares: Non-Finnish European, 0.0044%; no homozygotes.

Submissions (2):

GeneDx
Classification: Uncertain significance. Last evaluated: 2025-05-05. Review status: criteria provided, single submitter. Criteria: GeneDx Variant Classification Process June 2021. Collection method: clinical testing. Allele origin: germline. Affected: yes.
Comment: Not observed at significant frequency in large population cohorts (gnomAD); In silico analysis suggests that this missense variant does not alter protein structure/function; Has not been previously published as pathogenic or benign to our knowledge

Ambry Genetics
Classification: Uncertain significance for Inborn genetic diseases. Last evaluated: 2025-01-03. Review status: criteria provided, single submitter. Criteria: Ambry Variant Classification Scheme 2023. Collection method: clinical testing. Allele origin: germline.

NM_014363.6(SACS):c.4172T>C (p.Ile1391Thr)

Gene: SACS (sacsin molecular chaperone; minus strand). Cytogenetic location: 13q12.12.
Variant type: single nucleotide variant.
Coding change: c.4172T>C on transcript NM_014363.6 (MANE Select); coding-DNA position 4172, T replaced by C.
Protein change: p.Ile1391Thr; replaces isoleucine 1391 with threonine.
Molecular consequence: missense variant.
Genome position (GRCh38, 1-based): chr13:23,339,704, A>G on the plus strand (T>C on the coding strand, the complement: SACS is on the minus strand). VCF-style: chr13-23339704-A-G. GRCh37 (hg19) VCF-style: chr13-23913843-A-G.
Other names: c.3731T>C, p.Ile1244Thr (NM_001278055.2); short protein forms I1244T, I1391T.
Identifiers: ClinVar variation 3157476 (VCV003157476.3), dbSNP rs755961032, ClinGen allele CA6911423.